The following is an entry in ClinVar:

NM_032043.3(BRIP1):c.122A>T (p.His41Leu)

Gene: BRIP1 (BRCA1 interacting DNA helicase 1; minus strand). Cytogenetic location: 17q23.2.
Variant type: single nucleotide variant.
Coding change: c.122A>T on transcript NM_032043.3 (MANE Select); coding-DNA position 122, A replaced by T.
Protein change: p.His41Leu; replaces histidine 41 with leucine.
Molecular consequence: missense variant.
Genome position (GRCh38, 1-based): chr17:61,859,879, T>A on the plus strand (A>T on the coding strand, the complement: BRIP1 is on the minus strand). VCF-style: chr17-61859879-T-A. GRCh37 (hg19) VCF-style: chr17-59937240-T-A.
Other names: short protein forms H41L.
Identifiers: ClinVar variation 5033469 (VCV005033469.1).

ClinVar aggregate classification (germline): Uncertain significance (1 of 4 stars; one submission).

Conditions:
Hereditary cancer-predisposing syndrome. Also called: Neoplastic Syndromes, Hereditary; Tumor predisposition; Hereditary neoplastic syndrome; Hereditary Cancer Syndrome. Identifiers: Orphanet 140162, MedGen C0027672, MeSH D009386, MONDO:0015356.

Submission:

Ambry Genetics
Classification: Uncertain significance for Hereditary cancer-predisposing syndrome. Last evaluated: 2026-09-07. Review status: criteria provided, single submitter. Criteria: Ambry Variant Classification Scheme 2023. Collection method: clinical testing. Allele origin: germline.
Comment: The p.H41L variant (also known as c.122A>T), located in coding exon 2 of the BRIP1 gene, results from an A to T substitution at nucleotide position 122. The histidine at codon 41 is replaced by leucine, an amino acid with similar properties. This amino acid position is conserved. In addition, this alteration is predicted to be deleterious by in silico analysis. Based on the available evidence, the clinical significance of this variant remains unclear.